The following is an entry in ClinVar:

NM_206937.2(LIG4):c.1748del (p.Lys583fs)

Gene: LIG4 (DNA ligase 4; minus strand). Cytogenetic location: 13q33.3.
Variant type: Deletion.
Coding change: c.1748del on transcript NM_206937.2 (MANE Select); coding-DNA position 1748, one base deleted (A; older notation c.1748delA).
Protein change: p.Lys583fs; shifts the reading frame from lysine 583.
Molecular consequence: frameshift variant.
Genome position (GRCh38, 1-based): chr13:108,209,521, T deleted on the plus strand (A on the coding strand, the reverse complement: LIG4 is on the minus strand); the first of 4 consecutive T bases (chr13:108,209,521-108,209,524); deleting any one gives the same sequence. VCF-style (leftmost placement, unchanged base first): chr13-108209520-CT-C. GRCh37 (hg19) VCF-style: chr13-108861868-CT-C.
Other names: c.1748del, p.Lys583fs (NM_001098268.2, NM_001352598.2, NM_001352599.2 and 6 more transcripts); c.1547del, p.Lys516fs (NM_001330595.2); c.1784del, p.Lys595fs (NM_001352604.2); short protein forms K595fs, K516fs, K583fs.
Identifiers: ClinVar variation 2851204 (VCV002851204.3), dbSNP rs1878361175, ClinGen allele CA960045364.
Genomic context (GRCh38, chr13:108,209,520, plus strand): 5'-CCTAAGTTGTTCTAGGTCGTCCAGGGTCATGCACTCATGCCACTCCTTGTCATCTCTTAT[CT>C]TTTCAATTCGTGGAAAACGCAAGGTGCAGCCAGTTTTATACATATCACTGGGTACGATCT-3'

ClinVar aggregate classification (germline): Pathogenic (1 of 4 stars; one submission).

Conditions:
DNA ligase IV deficiency. Identifiers: Orphanet 99812, MedGen C1847827, MONDO:0011686, OMIM 606593.

Submission:

Labcorp Genetics (formerly Invitae), Labcorp
Classification: Pathogenic for DNA ligase IV deficiency. Last evaluated: 2024-01-04. Review status: criteria provided, single submitter. Criteria: Invitae Variant Classification Sherloc (09022015). Collection method: clinical testing. Allele origin: germline.
Comment: This sequence change creates a premature translational stop signal (p.Lys583Argfs*2) in the LIG4 gene. While this is not anticipated to result in nonsense mediated decay, it is expected to disrupt the last 329 amino acid(s) of the LIG4 protein. This variant is not present in population databases (gnomAD no frequency). This variant has not been reported in the literature in individuals affected with LIG4-related conditions. This variant disrupts a region of the LIG4 protein in which other variant(s) (p.Gln904*) have been determined to be pathogenic (PMID: 34630384). This suggests that this is a clinically significant region of the protein, and that variants that disrupt it are likely to be disease-causing. For these reasons, this variant has been classified as Pathogenic.

Literature cited by the submitters: PubMed 34630384.